The following is an entry in ClinVar:

ClinVar aggregate classification (germline): Benign/Likely benign. Review status: criteria provided, multiple submitters, no conflicts (2 of 4 stars). 11 submissions from 11 submitters: Benign (2); Likely benign (6). 3 of the submissions do not count toward it. Last evaluated 2025-12-23.

Conditions:
WFS1-related disorder. Identifiers: MedGen CN379391, MONDO:0700293.
Autosomal dominant nonsyndromic hearing loss 6 (LFSNHL). Also called: Autosomal dominant nonsyndromic deafness 6; DEAFNESS, AUTOSOMAL DOMINANT 6; DEAFNESS, AUTOSOMAL DOMINANT 14; DEAFNESS, AUTOSOMAL DOMINANT 38. Identifiers: Orphanet 90635, MedGen C1833021, MONDO:0010963, OMIM 600965.
Type 2 diabetes mellitus. Also called: Type II diabetes mellitus. Identifiers: MedGen C0011860, MeSH D003924, MONDO:0005148, OMIM 125853, HP:0005978.
Wolfram-like syndrome. Also called: HEARING LOSS, PROGRESSIVE, WITH OPTIC ATROPHY AND/OR IMPAIRED GLUCOSE REGULATION. Identifiers: Orphanet 411590, MedGen C3280358, MONDO:0013673, OMIM 614296.
Wolfram syndrome 1 (WFS1). Identifiers: Orphanet 3463, MedGen C4551693, MONDO:0009101, OMIM 222300.
Cataract 41 (CTRCT41). Also called: CATARACT 41, CONGENITAL NUCLEAR TYPE. Identifiers: Orphanet 91492, Orphanet 98991, Orphanet 98992, Orphanet 98995, MedGen C3805412, MONDO:0007287, OMIM 116400.

Allele frequency attached by ClinVar (database versions not stated): gnomAD exomes 0.00010 and 0.00012; ExAC 0.00015; gnomAD 0.00015 and 0.00016; TOPMed 0.00016; 1000 Genomes Project 0.00020; 1000 Genomes Project 30x 0.00031.
gnomAD v4.1: 166 of 1,612,540 alleles (0.01%); highest among the groups gnomAD compares: Middle Eastern, 0.036%; no homozygotes.

Submissions (11):

Labcorp Genetics (formerly Invitae), Labcorp
Classification: Likely benign. Last evaluated: 2025-12-23. Review status: criteria provided, single submitter. Criteria: Invitae Variant Classification Sherloc (09022015). Collection method: clinical testing. Allele origin: germline.

Women's Health and Genetics/Laboratory Corporation of America, LabCorp
Classification: Likely benign. Last evaluated: 2025-10-07. Review status: criteria provided, single submitter. Criteria: LabCorp Variant Classification Summary - May 2015. Collection method: clinical testing. Allele origin: germline.

Mayo Clinic Laboratories, Mayo Clinic
Classification: Likely benign. Last evaluated: 2025-06-05. Review status: criteria provided, single submitter. Criteria: ACMG Guidelines, 2015. Collection method: clinical testing. Allele origin: germline. Observed: 1 variant allele.
Comment: BP4, BP7

Blueprint Genetics
Classification: Likely benign. Last evaluated: 2024-10-23. Review status: criteria provided, single submitter. Criteria: ACMG Guidelines, 2015. Collection method: clinical testing. Allele origin: germline.

Fulgent Genetics
Classification: Likely benign for Cataract 41; Type 2 diabetes mellitus; Wolfram syndrome 1; Autosomal dominant nonsyndromic hearing loss 6; Wolfram-like syndrome. Last evaluated: 2021-09-16. Review status: criteria provided, single submitter. Criteria: ACMG Guidelines, 2015. Collection method: clinical testing. Allele origin: unknown.

GeneDx
Classification: Benign. Last evaluated: 2014-12-10. Review status: criteria provided, single submitter. Criteria: GeneDx Variant Classification (06012015). Collection method: clinical testing. Allele origin: germline. Affected: yes.
Comment: This variant is considered likely benign or benign based on one or more of the following criteria: it is a conservative change, it occurs at a poorly conserved position in the protein, it is predicted to be benign by multiple in silico algorithms, and/or has population frequency not consistent with disease.

Laboratory for Molecular Medicine, Mass General Brigham Personalized Medicine
Classification: Likely benign. Last evaluated: 2014-10-01. Review status: criteria provided, single submitter. Criteria: LMM Criteria. Collection method: clinical testing. Allele origin: germline. Observed: 1 variant allele.
Comment: p.Ala275Ala in exon 7 of WSF1: This variant is not expected to have clinical sig nificance because it does not alter an amino acid residue and is not located wit hin the splice consensus sequence.

Clinical Genomics, Uppaluri K&H Personalized Medicine Clinic
Classification: Benign for Wolfram syndrome 1. Review status: criteria provided, single submitter. Criteria: K & H Uppaluri Personalized Medicine Clinic Variant Classification & Assertion Criteria_Updated V.1. Collection method: research. Allele origin: unknown. Inheritance: Autosomal recessive inheritance.
Comment: Potent mutations in WFS1 gene are associated with Wolfram's syndrome, an autosomal recessive condition, which cause diabetes mellitus, diabetes insipidus, deafness and optic atrophy.However no sufficient evidence is found to ascertain the role of this particular variant rs566634291 in Wolfram's syndrome yet.

PreventionGenetics, part of Exact Sciences
Classification: Likely benign for WFS1-related condition. Last evaluated: 2019-09-19. Review status: no assertion criteria provided. Collection method: clinical testing. Allele origin: germline. Not counted in ClinVar's aggregate classification.
Comment: This variant is classified as likely benign based on ACMG/AMP sequence variant interpretation guidelines (Richards et al. 2015 PMID: 25741868, with internal and published modifications).

Clinical Genetics DNA and cytogenetics Diagnostics Lab, Erasmus MC, Erasmus Medical Center
Classification: Likely benign. Review status: no assertion criteria provided. Collection method: clinical testing. Allele origin: germline. Affected: yes. Study: VKGL Data-share Consensus. Not counted in ClinVar's aggregate classification.

Laboratory of Diagnostic Genome Analysis, Leiden University Medical Center (LUMC)
Classification: Likely benign. Review status: no assertion criteria provided. Collection method: clinical testing. Allele origin: germline. Affected: yes. Study: VKGL Data-share Consensus. Not counted in ClinVar's aggregate classification.

Literature cited by the submitters: PubMed 20738327 (cited by Clinical Genomics, Uppaluri K&H Personalized Medicine Clinic); PubMed 33879153 (cited by Clinical Genomics, Uppaluri K&H Personalized Medicine Clinic); PubMed 12955714 (cited by Clinical Genomics, Uppaluri K&H Personalized Medicine Clinic); PubMed 18060660 (cited by Clinical Genomics, Uppaluri K&H Personalized Medicine Clinic); PubMed 20301750 (cited by Clinical Genomics, Uppaluri K&H Personalized Medicine Clinic); PubMed 17603484 (cited by Clinical Genomics, Uppaluri K&H Personalized Medicine Clinic).

NM_006005.3(WFS1):c.825G>A (p.Ala275=)

Gene: WFS1 (wolframin ER transmembrane glycoprotein; plus strand). Cytogenetic location: 4p16.1.
Variant type: single nucleotide variant.
Coding change: c.825G>A on transcript NM_006005.3 (MANE Select); coding-DNA position 825, G replaced by A.
Protein change: p.Ala275=; no amino-acid change (alanine 275 retained).
Molecular consequence: synonymous variant.
Genome position (GRCh38, 1-based): chr4:6,295,153, G>A. VCF-style: chr4-6295153-G-A. GRCh37 (hg19) VCF-style: chr4-6296880-G-A.
Other names: p.Ala275=; c.825G>A, p.Ala275= (NM_001145853.1).
Identifiers: ClinVar variation 180000 (VCV000180000.25), dbSNP rs566634291, ClinGen allele CA295842.